The following is an entry in ClinVar:

ClinVar aggregate classification (germline): Uncertain significance (0 of 4 stars; one submission).

Conditions:
ROBO1-related disorder. Also called: ROBO1-related condition.

Allele frequency attached by ClinVar (database versions not stated): gnomAD exomes below 0.00001.
gnomAD v4.1: 1 of 1,613,984 alleles (0.000062%); highest among the groups gnomAD compares: Non-Finnish European, 0.000085%; no homozygotes.

Submission:

PreventionGenetics, part of Exact Sciences
Classification: Uncertain significance for ROBO1-related condition. Last evaluated: 2024-02-22. Review status: no assertion criteria provided. Collection method: clinical testing. Allele origin: germline.
Comment: The ROBO1 c.394A>G variant is predicted to result in the amino acid substitution p.Ile132Val. To our knowledge, this variant has not been reported in the literature or in a large population database, indicating this variant is rare. At this time, the clinical significance of this variant is uncertain due to the absence of conclusive functional and genetic evidence.

NM_002941.4(ROBO1):c.394A>G (p.Ile132Val)

Gene: ROBO1 (roundabout guidance receptor 1; minus strand). Cytogenetic location: 3p12.3.
Variant type: single nucleotide variant.
Coding change: c.394A>G on transcript NM_002941.4 (MANE Select); coding-DNA position 394, A replaced by G.
Protein change: p.Ile132Val; replaces isoleucine 132 with valine.
Molecular consequence: missense variant.
Genome position (GRCh38, 1-based): chr3:78,938,706, T>C on the plus strand (A>G on the coding strand, the complement: ROBO1 is on the minus strand). VCF-style: chr3-78938706-T-C. GRCh37 (hg19) VCF-style: chr3-78987856-T-C.
Other names: c.277A>G, p.Ile93Val (NM_001145844.1, NM_001145845.2, NM_133631.4); short protein forms I132V, I93V.
Identifiers: ClinVar variation 3050669 (VCV003050669.2), dbSNP rs1429378068, ClinGen allele CA353681589.